The following is an entry in ClinVar:

NM_006341.4(MAD2L2):c.500del (p.Lys167fs)

Gene: MAD2L2 (mitotic arrest deficient 2 like 2; minus strand). Cytogenetic location: 1p36.22.
Variant type: Deletion.
Coding change: c.500del on transcript NM_006341.4 (MANE Select); coding-DNA position 500, one base deleted (A; older notation c.500delA).
Protein change: p.Lys167fs; shifts the reading frame from lysine 167.
Molecular consequence: frameshift variant.
Genome position (GRCh38, 1-based): chr1:11,675,659, T deleted on the plus strand (A on the coding strand, the reverse complement: MAD2L2 is on the minus strand); the first of 2 consecutive T bases (chr1:11,675,659-11,675,660); deleting either gives the same sequence. VCF-style (leftmost placement, unchanged base first): chr1-11675658-CT-C. GRCh37 (hg19) VCF-style: chr1-11735715-CT-C.
Other names: c.500del, p.Lys167fs (NM_001127325.2); short protein forms K167fs.
Identifiers: ClinVar variation 2863325 (VCV002863325.3), dbSNP rs2521911582, ClinGen allele CA2643277583.

ClinVar aggregate classification (germline): Uncertain significance (1 of 4 stars; one submission).

Submission:

Labcorp Genetics (formerly Invitae), Labcorp
Classification: Uncertain significance. Last evaluated: 2023-05-11. Review status: criteria provided, single submitter. Criteria: Invitae Variant Classification Sherloc (09022015). Collection method: clinical testing. Allele origin: germline.
Comment: This sequence change creates a premature translational stop signal (p.Lys167Argfs*20) in the MAD2L2 gene. While this is not anticipated to result in nonsense mediated decay, it is expected to disrupt the last 45 amino acid(s) of the MAD2L2 protein. This variant is not present in population databases (gnomAD no frequency). This variant has not been reported in the literature in individuals affected with MAD2L2-related conditions. In summary, the available evidence is currently insufficient to determine the role of this variant in disease. Therefore, it has been classified as a Variant of Uncertain Significance.